The following is an entry in ClinVar:

NM_000540.3(RYR1):c.12094+2T>C

Gene: RYR1 (ryanodine receptor 1; plus strand). Cytogenetic location: 19q13.2.
Variant type: single nucleotide variant.
Coding change: c.12094+2T>C on transcript NM_000540.3 (MANE Select); the canonical splice donor site of the intron after coding-DNA position 12094, T replaced by C.
Molecular consequence: splice donor variant.
Genome position (GRCh38, 1-based): chr19:38,546,528, T>C. VCF-style: chr19-38546528-T-C. GRCh37 (hg19) VCF-style: chr19-39037168-T-C.
Other names: c.12079+2T>C (NM_001042723.2).
Identifiers: ClinVar variation 1809729 (VCV001809729.1), dbSNP rs2514591958, ClinGen allele CA405664192.
Genomic context (GRCh38, chr19:38,546,528, plus strand): 5'-GAAGGAGCTGCTGGATCTGCAGAAGGACATGGTGGTGATGTTGCTGTCGCTACTAGAAGG[T>C]AAACACCCAGGAGTGAGGGTGAGGGAACAGTAAAGAGGTTCAGAGAAGCCTGAGAATGGC-3'

ClinVar aggregate classification (germline): Likely pathogenic (1 of 4 stars; one submission).

Submission:

Athena Diagnostics
Classification: Likely pathogenic. Last evaluated: 2021-06-18. Review status: criteria provided, single submitter. Criteria: Athena Diagnostics Criteria. Collection method: clinical testing. Allele origin: unknown.
Comment: This variant is expected to severely impact normal RNA splicing, and consequently, protein structure and/or function. This variant has not been reported in large, multi-ethnic general populations.This observation is not an independent occurrence and has been identified in the same individual by RCIGM, the other laboratory participating in the GEMINI study.